The following is an entry in ClinVar:

ClinVar aggregate classification (germline): Uncertain significance (1 of 4 stars; one submission).

Submission:

Dasa
Classification: Uncertain significance. Last evaluated: 2025-06-10. Review status: criteria provided, single submitter. Criteria: DASA Assertion Criteria. Collection method: clinical testing. Allele origin: germline.
Comment: NM_015021.3(ZNF292):c.7574A>G (p.Gln2525Arg) is a missense variant that results in the substitution of glutamine with arginine. This variant is absent from population databases. Computational prediction algorithms are consistent with a benign effect. The currently available literature and clinical evidence are not sufficient to establish a definitive association between this variant and the reported condition. Therefore, this variant is classified as a variant of uncertain significance.

NM_015021.3(ZNF292):c.7574A>G (p.Gln2525Arg)

Gene: ZNF292 (zinc finger protein 292; plus strand). Cytogenetic location: 6q14.3.
Variant type: single nucleotide variant.
Coding change: c.7574A>G on transcript NM_015021.3 (MANE Select); coding-DNA position 7574, A replaced by G.
Protein change: p.Gln2525Arg; replaces glutamine 2525 with arginine.
Molecular consequence: missense variant.
Genome position (GRCh38, 1-based): chr6:87,261,203, A>G. VCF-style: chr6-87261203-A-G. GRCh37 (hg19) VCF-style: chr6-87970921-A-G.
Other names: c.7154A>G, p.Gln2385Arg (NM_001351444.2); short protein forms Q2385R, Q2525R.
Identifiers: ClinVar variation 4881146 (VCV004881146.2).